The following is an entry in ClinVar:

NM_000059.4(BRCA2):c.9989A>T (p.Glu3330Val)

Gene: BRCA2 (BRCA2 DNA repair associated; plus strand). Cytogenetic location: 13q13.1.
Variant type: single nucleotide variant.
Coding change: c.9989A>T on transcript NM_000059.4 (MANE Select); coding-DNA position 9989, A replaced by T.
Protein change: p.Glu3330Val; replaces glutamic acid 3330 with valine.
Molecular consequence: missense variant.
Genome position (GRCh38, 1-based): chr13:32,398,502, A>T. VCF-style: chr13-32398502-A-T. GRCh37 (hg19) VCF-style: chr13-32972639-A-T.
Other names: short protein forms E3330V.
Identifiers: ClinVar variation 1192256 (VCV001192256.3), dbSNP rs2137665575, ClinGen allele CA387767594.
Genomic context (GRCh38, chr13:32,398,502, plus strand): 5'-CACCCATAAAGAAAAAAGAACTGAATTCTCCTCAGATGACTCCATTTAAAAAATTCAATG[A>T]AATTTCTCTTTTGGAAAGTAATTCAATAGCTGACGAAGAACTTGCATTGATAAATACCCA-3'
Protein context (NP_000050.3, residues 3320-3340): PQMTPFKKFN[Glu3330Val]ISLLESNSIA

ClinVar aggregate classification (germline): Uncertain significance. Review status: criteria provided, multiple submitters, no conflicts (2 of 4 stars). 2 submissions from 2 submitters: Uncertain significance (2). Last evaluated 2022-02-26.

Conditions:
Hereditary cancer-predisposing syndrome. Also called: Neoplastic Syndromes, Hereditary; Hereditary neoplastic syndrome; Hereditary Cancer Syndrome; Tumor predisposition. Identifiers: Orphanet 140162, MedGen C0027672, MeSH D009386, MONDO:0015356.

Submissions (2):

Ambry Genetics
Classification: Uncertain significance for Hereditary cancer-predisposing syndrome. Last evaluated: 2022-02-26. Review status: criteria provided, single submitter. Criteria: Ambry Variant Classification Scheme 2023. Collection method: clinical testing. Allele origin: germline.
Comment: The p.E3330V variant (also known as c.9989A>T), located in coding exon 26 of the BRCA2 gene, results from an A to T substitution at nucleotide position 9989. The glutamic acid at codon 3330 is replaced by valine, an amino acid with dissimilar properties. This amino acid position is conserved. In addition, this alteration is predicted to be tolerated by in silico analysis. Since supporting evidence is limited at this time, the clinical significance of this alteration remains unclear.

Women's Health and Genetics/Laboratory Corporation of America, LabCorp
Classification: Uncertain significance. Last evaluated: 2021-07-12. Review status: criteria provided, single submitter. Criteria: LabCorp Variant Classification Summary - May 2015. Collection method: clinical testing. Allele origin: germline.
Comment: Variant summary: BRCA2 c.9989A>T (p.Glu3330Val) results in a non-conservative amino acid change in the encoded protein sequence. Three of five in-silico tools predict a benign effect of the variant on protein function. The variant was absent in 250776 control chromosomes. The available data on variant occurrences in the general population are insufficient to allow any conclusion about variant significance. To our knowledge, no occurrence of c.9989A>T in individuals affected with Hereditary Breast And Ovarian Cancer Syndrome and no experimental evidence demonstrating its impact on protein function have been reported. At-least one co-occurrence with another pathogenic variant have been observed at our laboratory (BRCA2 c.6952C>T, p.R2318*), providing supporting evidence for a benign role. No clinical diagnostic laboratories have submitted clinical-significance assessments for this variant to ClinVar after 2014. Based on the evidence outlined above, the variant was classified as uncertain significance.